The following is an entry in ClinVar:

ClinVar aggregate classification (germline): Pathogenic (1 of 4 stars; one submission).

Submission:

Labcorp Genetics (formerly Invitae), Labcorp
Classification: Pathogenic. Last evaluated: 2021-06-04. Review status: criteria provided, single submitter. Criteria: Invitae Variant Classification Sherloc (09022015). Collection method: clinical testing. Allele origin: germline.
Comment: This sequence change creates a premature translational stop signal (p.Leu571Serfs*35) in the CACNA1F gene. It is expected to result in an absent or disrupted protein product. Loss-of-function variants in CACNA1F are known to be pathogenic (PMID: 9662399, 11281458, 17525176, 22194652, 24124559, 26992781). This variant is not present in population databases (ExAC no frequency). This variant has not been reported in the literature in individuals with CACNA1F-related conditions. For these reasons, this variant has been classified as Pathogenic.

Literature cited by the submitters: PubMed 9662399; PubMed 11281458; PubMed 17525176; PubMed 22194652; PubMed 24124559; PubMed 26992781.

NM_001256789.3(CACNA1F):c.1678_1681del (p.Leu560fs)

Gene: CACNA1F (calcium voltage-gated channel subunit alpha1 F; minus strand). Cytogenetic location: Xp11.23.
Variant type: Microsatellite.
Coding change: c.1678_1681del on transcript NM_001256789.3 (MANE Select); coding-DNA positions 1678 to 1681, 4 bases deleted (CTGT; older notation c.1678_1681delCTGT).
Protein change: p.Leu560fs; shifts the reading frame from leucine 560.
Molecular consequence: frameshift variant.
Genome position (GRCh38, 1-based): chrX:49,224,957-49,224,960, ACAG deleted on the plus strand (CTGT on the coding strand, the reverse complement: CACNA1F is on the minus strand); deleting any 4 consecutive bases within chrX:49,224,957-49,224,965 gives the same sequence; the c. name uses the placement nearest the transcript's 3' end. VCF-style (leftmost placement, unchanged base first): chrX-49224956-AACAG-A. GRCh37 (hg19) VCF-style: chrX-49081418-AACAG-A.
Other names: c.1516_1519del, p.Leu506fs (NM_001256790.3); c.1711_1714del, p.Leu571fs (NM_005183.4); short protein forms L506fs, L560fs, L571fs.
Identifiers: ClinVar variation 1395808 (VCV001395808.6), dbSNP rs2147916854, ClinGen allele CA2580617046.